The following is an entry in ClinVar:

ClinVar aggregate classification (germline): Likely benign (1 of 4 stars; one submission).

Submission:

CeGaT Center for Human Genetics Tuebingen
Classification: Likely benign. Last evaluated: 2026-02-01. Review status: criteria provided, single submitter. Criteria: CeGaT Center For Human Genetics Tuebingen Variant Classification Criteria Version 2. Collection method: clinical testing. Allele origin: germline. Affected: yes. Observed: 1 variant allele.
Comment: MSLNL: BP4, BP7

NC_000016.10:g.775645A>G

Variant type: single nucleotide variant.
Genome position: GRCh38 VCF-style: chr16-775645-A-G. GRCh37 (hg19) VCF-style: chr16-825645-A-G.
Identifiers: ClinVar variation 4822579 (VCV004822579.4).